The following is an entry in ClinVar:

NM_018896.5(CACNA1G):c.3814A>C (p.Ile1272Leu)

Gene: CACNA1G (calcium voltage-gated channel subunit alpha1 G; plus strand). Cytogenetic location: 17q21.33.
Variant type: single nucleotide variant.
Coding change: c.3814A>C on transcript NM_018896.5 (MANE Select); coding-DNA position 3814, A replaced by C.
Protein change: p.Ile1272Leu; replaces isoleucine 1272 with leucine.
Molecular consequence: missense variant. On other transcripts: non-coding transcript variant (5).
Genome position (GRCh38, 1-based): chr17:50,601,073, A>C. VCF-style: chr17-50601073-A-C. GRCh37 (hg19) VCF-style: chr17-48678434-A-C.
Other names: c.3814A>C, p.Ile1272Leu (NM_198380.3, NM_198384.3, NM_198385.3 and 16 more transcripts); c.3745A>C, p.Ile1249Leu (NM_198382.3, NM_198383.3, NM_198387.3 and 5 more transcripts); short protein forms I1249L, I1272L.
Identifiers: ClinVar variation 1310754 (VCV001310754.4), dbSNP rs1242115480, ClinGen allele CA400254708.
Genomic context (GRCh38, chr17:50,601,073, plus strand): 5'-GCCTCCCCCTCTCAGCCGTTGCCTCCATGCCTGGGCAGGTTCCGCCTCCTGTGTCACCGG[A>C]TCATCACCCACAAGATGTTCGACCACGTGGTCCTTGTCATCATCTTCCTTAACTGCATCA-3'
Protein context (NP_061496.2, residues 1262-1282): QSRFRLLCHR[Ile1272Leu]ITHKMFDHVV

ClinVar aggregate classification (germline): Uncertain significance. Review status: criteria provided, multiple submitters, no conflicts (2 of 4 stars). 2 submissions from 2 submitters: Uncertain significance (2). Last evaluated 2024-07-31.

Allele frequency attached by ClinVar (database versions not stated): TOPMed 0.00001.
gnomAD v4.1: 1 of 1,613,838 alleles (0.000062%); no homozygotes.

Submissions (2):

Labcorp Genetics (formerly Invitae), Labcorp
Classification: Uncertain significance. Last evaluated: 2024-07-31. Review status: criteria provided, single submitter. Criteria: Invitae Variant Classification Sherloc (09022015). Collection method: clinical testing. Allele origin: germline.
Comment: This sequence change replaces isoleucine, which is neutral and non-polar, with leucine, which is neutral and non-polar, at codon 1272 of the CACNA1G protein (p.Ile1272Leu). This variant is not present in population databases (gnomAD no frequency). This variant has not been reported in the literature in individuals affected with CACNA1G-related conditions. ClinVar contains an entry for this variant (Variation ID: 1310754). Advanced modeling of protein sequence and biophysical properties (such as structural, functional, and spatial information, amino acid conservation, physicochemical variation, residue mobility, and thermodynamic stability) has been performed at Invitae for this missense variant, however the output from this modeling did not meet the statistical confidence thresholds required to predict the impact of this variant on CACNA1G protein function. In summary, the available evidence is currently insufficient to determine the role of this variant in disease. Therefore, it has been classified as a Variant of Uncertain Significance.

GeneDx
Classification: Uncertain significance. Last evaluated: 2019-12-02. Review status: criteria provided, single submitter. Criteria: GeneDx Variant Classification Process June 2021. Collection method: clinical testing. Allele origin: germline. Affected: yes.
Comment: Not observed in large population cohorts (Lek et al., 2016); In silico analysis, which includes protein predictors and evolutionary conservation, supports that this variant does not alter protein structure/function; Has not been previously published as pathogenic or benign to our knowledge